The following is an entry in ClinVar:

ClinVar aggregate classification (germline): Likely pathogenic. Review status: criteria provided, multiple submitters, no conflicts (2 of 4 stars). 5 submissions from 5 submitters: Likely pathogenic (5). Last evaluated 2026-09-02.

Conditions:
Hereditary cancer-predisposing syndrome. Also called: Hereditary Cancer Syndrome; Tumor predisposition; Hereditary neoplastic syndrome; Neoplastic Syndromes, Hereditary. Identifiers: Orphanet 140162, MedGen C0027672, MeSH D009386, MONDO:0015356.
Breast-ovarian cancer, familial, susceptibility to, 4. Identifiers: Orphanet 145, MedGen C3280345, MONDO:0013669, OMIM 614291.

Allele frequency attached by ClinVar (database versions not stated): gnomAD exomes below 0.00001; TOPMed below 0.00001.

Submissions (5):

Ambry Genetics
Classification: Likely pathogenic for Hereditary cancer-predisposing syndrome. Last evaluated: 2026-09-02. Review status: criteria provided, single submitter. Criteria: Ambry Variant Classification Scheme 2023. Collection method: clinical testing. Allele origin: germline.
Comment: The c.668-2A>C intronic variant results from an A to C substitution two nucleotides before coding exon 8 of the RAD51D gene. This nucleotide position is highly conserved in available vertebrate species. In silico splice site analysis predicts that this alteration will weaken the native splice acceptor site; however, direct evidence is insufficient at this time (Ambry internal data). Alterations that disrupt the canonical splice site are expected to cause aberrant splicing, resulting in an abnormal protein or a transcript that is subject to nonsense-mediated mRNA decay. As such, this alteration is classified as likely pathogenic.

KCCC/NGS Laboratory, Kuwait Cancer Control Center
Classification: Likely pathogenic for Breast-ovarian cancer, familial, susceptibility to, 4. Last evaluated: 2026-07-06. Review status: criteria provided, single submitter. Criteria: ACMG Guidelines, 2015. Collection method: clinical testing. Allele origin: germline. Inheritance: Autosomal dominant inheritance. Affected: yes.
Comment: A known likely pathogenic mutation was detected in RAD51D gene ( c.332-2A>C, NM_133629.2). This sequence change affects an acceptor splice site in intron 7 of the RAD51D gene. It is expected to disrupt RNA splicing. Variants that disrupt the donor or acceptor splice site typically lead to a loss of protein function (PMID: 16199547), and loss-of-function variants in RAD51D are known to be pathogenic (PMID: 21822267). This nucleotide position is highly conserved. This variant is not present in population databases (gnomAD no frequency). This variant has not been reported in the literature in individuals affected with RAD51D-related conditions. ClinVar contains an entry for this variant (Variation ID: 568391). In silico splice site analysis predicts that this alteration will weaken the native splice acceptor site. In summary, the currently available evidence indicates that the variant is pathogenic, but additional data are needed to prove that conclusively. Therefore, this variant has been classified as Likely Pathogenic.

Labcorp Genetics (formerly Invitae), Labcorp
Classification: Likely pathogenic for Breast-ovarian cancer, familial, susceptibility to, 4. Last evaluated: 2025-11-13. Review status: criteria provided, single submitter. Criteria: Invitae Variant Classification Sherloc (09022015). Collection method: clinical testing. Allele origin: germline.
Comment: This sequence change affects an acceptor splice site in intron 7 of the RAD51D gene. It is expected to disrupt RNA splicing. Variants that disrupt the donor or acceptor splice site typically lead to a loss of protein function (PMID: 16199547), and loss-of-function variants in RAD51D are known to be pathogenic (PMID: 21822267). This variant is not present in population databases (gnomAD no frequency). This variant has not been reported in the literature in individuals affected with RAD51D-related conditions. ClinVar contains an entry for this variant (Variation ID: 568391). Algorithms developed to predict the effect of sequence changes on RNA splicing suggest that this variant may disrupt the consensus splice site. In summary, the currently available evidence indicates that the variant is pathogenic, but additional data are needed to prove that conclusively. Therefore, this variant has been classified as Likely Pathogenic.

Myriad Genetics, Inc.
Classification: Likely pathogenic for Breast-ovarian cancer, familial, susceptibility to, 4. Last evaluated: 2024-01-04. Review status: criteria provided, single submitter. Criteria: Myriad Autosomal Dominant, Autosomal Recessive and X-Linked Classification Criteria (2023). Collection method: clinical testing. Allele origin: unknown.
Comment: This variant is considered likely pathogenic. This variant occurs within a consensus splice junction and is predicted to result in abnormal mRNA splicing of either an out-of-frame exon or an in-frame exon necessary for protein stability and/or normal function.

Baylor Genetics
Classification: Likely pathogenic for Breast-ovarian cancer, familial, susceptibility to, 4. Last evaluated: 2023-05-23. Review status: criteria provided, single submitter. Criteria: ACMG Guidelines, 2015. Collection method: clinical testing. Allele origin: unknown.

Literature cited by the submitters: PubMed 16199547 (cited by Labcorp Genetics (formerly Invitae), Labcorp); PubMed 21822267 (cited by Labcorp Genetics (formerly Invitae), Labcorp).

NM_002878.4(RAD51D):c.668-2A>C

Genes: RAD51D (RAD51 paralog D; minus strand), RAD51L3-RFFL (RAD51L3-RFFL readthrough; minus strand). Cytogenetic location: 17q12.
Variant type: single nucleotide variant.
Coding change: c.668-2A>C on transcript NM_002878.4 (MANE Select); the canonical splice acceptor site of the intron before coding-DNA position 668, A replaced by C.
Molecular consequence: splice acceptor variant.
Genome position (GRCh38, 1-based): chr17:35,103,326, T>G on the plus strand (A>C on the coding strand, the complement: RAD51D is on the minus strand). VCF-style: chr17-35103326-T-G. GRCh37 (hg19) VCF-style: chr17-33430345-T-G.
Other names: c.332-2A>C (NM_133629.3, NM_133629.2); c.728-2A>C (NM_001142571.2).
Identifiers: ClinVar variation 568391 (VCV000568391.16), dbSNP rs1567726325, ClinGen allele CA399087818.
Genomic context (GRCh38, chr17:35,103,326, plus strand): 5'-GCCAAGGTCCCGGGCCAGGGTCTTCAGCTCTCGGGCCAGCTGCATCATCAAGGCCAAGCC[T>G]GCAGGAGGAGGAGAAGCAGAGAGGGAGGGCAGTGGGGAACCAGGGATGGGGCTGGCCAGA-3'